The following is an entry in ClinVar:

ClinVar aggregate classification (germline): Uncertain significance (1 of 4 stars; one submission).

Conditions:
Primary hyperoxaluria, type II (HP2). Also called: D-GLYCERATE DEHYDROGENASE DEFICIENCY; Primary hyperoxaluria type 2; GLYCERIC ACIDURIA; GLYOXYLATE REDUCTASE/HYDROXYPYRUVATE REDUCTASE DEFICIENCY; OXALOSIS II. Identifiers: Orphanet 416, Orphanet 93599, MedGen C0268165, MONDO:0009824, OMIM 260000. Disease mechanism: loss of function.

Submission:

Myriad Genetics, Inc.
Classification: Uncertain significance for Primary hyperoxaluria, type II. Last evaluated: 2026-07-06. Review status: criteria provided, single submitter. Criteria: Myriad Autosomal Dominant, Autosomal Recessive and X-Linked Classification Criteria (2023). Collection method: clinical testing. Allele origin: unknown.
Comment: NM_012203.1(GRHPR):c.902_904dupCCC(T301_R302insP) is an in-frame insertion classified as a variant of uncertain significance in the context of primary hyperoxaluria type 2. T301_R302insP has not been observed in cases with relevant disease. Relevant functional assessments of this variant are not available in the literature. T301_R302insP has not been observed in referenced population frequency databases. In summary, there is insufficient evidence to classify NM_012203.1(GRHPR):c.902_904dupCCC(T301_R302insP) as pathogenic or benign. Please note: this variant was assessed in the context of healthy population screening.

NM_012203.2(GRHPR):c.902_904dup (p.Thr301_Arg302insPro)

Gene: GRHPR (glyoxylate and hydroxypyruvate reductase; plus strand). Cytogenetic location: 9p13.2.
Variant type: Duplication.
Coding change: c.902_904dup on transcript NM_012203.2 (MANE Select); coding-DNA positions 902 to 904, 3 bases duplicated (CCC; older notation c.902_904dupCCC).
Protein change: p.Thr301_Arg302insPro.
Molecular consequence: inframe insertion.
Genome position (GRCh38, 1-based): chr9:37,436,697-37,436,699, CCC duplicated. VCF-style (leftmost placement, unchanged base first): chr9-37436696-A-ACCC. GRCh37 (hg19) VCF-style: chr9-37436693-A-ACCC.
Identifiers: ClinVar variation 5004775 (VCV005004775.1).